The following is an entry in ClinVar:

ClinVar aggregate classification (germline): Uncertain significance. Review status: criteria provided, single submitter (1 of 4 stars). 2 submissions from 2 submitters: Uncertain significance (1). 1 of the submissions does not count toward it. Last evaluated 2019-01-10.

Conditions:
RAB5B-associated surfactant dysfunction disorder.

Submissions (2):

Undiagnosed Diseases Network, NIH
Classification: Uncertain significance for RAB5B-associated surfactant dysfunction disorder. Last evaluated: 2019-01-10. Review status: criteria provided, single submitter. Criteria: ACMG Guidelines, 2015. Collection method: clinical testing. Allele origin: de novo. Inheritance: Autosomal dominant inheritance. Affected: yes. Observed: 1 variant allele, 1 heterozygote. Study: Undiagnosed Diseases Network (NIH), UDN.

OMIM
Classification: Uncertain significance for VARIANT OF UNKNOWN SIGNIFICANCE. Last evaluated: 2022-03-02. Review status: no assertion criteria provided. Collection method: literature only. Allele origin: germline. Not counted in ClinVar's aggregate classification.

Literature cited by the submitters: PubMed 35121658 (cited by Undiagnosed Diseases Network, NIH and OMIM).

NM_002868.4(RAB5B):c.406G>C (p.Asp136His)

Gene: RAB5B (RAB5B, member RAS oncogene family; plus strand). Cytogenetic location: 12q13.2.
Variant type: single nucleotide variant.
Coding change: c.406G>C on transcript NM_002868.4 (MANE Select); coding-DNA position 406, G replaced by C.
Protein change: p.Asp136His; replaces aspartic acid 136 with histidine.
Molecular consequence: missense variant. On other transcripts: intron variant (1).
Genome position (GRCh38, 1-based): chr12:55,990,772, G>C. VCF-style: chr12-55990772-G-C. GRCh37 (hg19) VCF-style: chr12-56384556-G-C.
Other names: p.D136H; c.406G>C, p.Asp136His (NM_001252036.2); c.316-588G>C (NM_001252037.2); short protein forms D136H.
Identifiers: ClinVar variation 1342138 (VCV001342138.5), dbSNP rs2136490152, ClinGen allele CA385271761.